The following is an entry in ClinVar:

ClinVar aggregate classification (germline): Uncertain significance (1 of 4 stars; one submission).

Conditions:
Chédiak-Higashi syndrome (CHS). Also called: Chediak-Higashi Syndrome. Identifiers: Orphanet 167, MedGen C0007965, MONDO:0008963, OMIM 214500.

Allele frequency attached by ClinVar (database versions not stated): ESP Exome Variant Server 0.00008.
gnomAD v4.1: 22 of 1,614,066 alleles (0.0014%); highest among the groups gnomAD compares: Non-Finnish European, 0.0019%; no homozygotes.

Submission:

Labcorp Genetics (formerly Invitae), Labcorp
Classification: Uncertain significance for Chédiak-Higashi syndrome. Last evaluated: 2024-05-22. Review status: criteria provided, single submitter. Criteria: Invitae Variant Classification Sherloc (09022015). Collection method: clinical testing. Allele origin: germline.
Comment: This sequence change replaces serine, which is neutral and polar, with threonine, which is neutral and polar, at codon 3486 of the LYST protein (p.Ser3486Thr). This variant is present in population databases (rs143632723, gnomAD 0.0009%). This variant has not been reported in the literature in individuals affected with LYST-related conditions. ClinVar contains an entry for this variant (Variation ID: 1410255). Advanced modeling of protein sequence and biophysical properties (such as structural, functional, and spatial information, amino acid conservation, physicochemical variation, residue mobility, and thermodynamic stability) has been performed at Invitae for this missense variant, however the output from this modeling did not meet the statistical confidence thresholds required to predict the impact of this variant on LYST protein function. In summary, the available evidence is currently insufficient to determine the role of this variant in disease. Therefore, it has been classified as a Variant of Uncertain Significance.

NM_000081.4(LYST):c.10457G>C (p.Ser3486Thr)

Gene: LYST (lysosomal trafficking regulator; minus strand). Cytogenetic location: 1q42.3.
Variant type: single nucleotide variant.
Coding change: c.10457G>C on transcript NM_000081.4 (MANE Select); coding-DNA position 10457, G replaced by C.
Protein change: p.Ser3486Thr; replaces serine 3486 with threonine.
Molecular consequence: missense variant.
Genome position (GRCh38, 1-based): chr1:235,697,190, C>G on the plus strand (G>C on the coding strand, the complement: LYST is on the minus strand). VCF-style: chr1-235697190-C-G. GRCh37 (hg19) VCF-style: chr1-235860490-C-G.
Other names: c.10457G>C, p.Ser3486Thr (NM_001301365.1); short protein forms S3486T.
Identifiers: ClinVar variation 1410255 (VCV001410255.5), dbSNP rs143632723, ClinGen allele CA1465363.